The following is an entry in ClinVar:

ClinVar aggregate classification (germline): Pathogenic (1 of 4 stars; one submission).

Submission:

Labcorp Genetics (formerly Invitae), Labcorp
Classification: Pathogenic. Last evaluated: 2021-09-09. Review status: criteria provided, single submitter. Criteria: Invitae Variant Classification Sherloc (09022015). Collection method: clinical testing. Allele origin: germline.
Comment: This premature translational stop signal has been observed in individual(s) with clinical features of hypophosphatemia (PMID: 19219621). This variant is not present in population databases (ExAC no frequency). This sequence change creates a premature translational stop signal (p.Thr396Profs*12) in the PHEX gene. It is expected to result in an absent or disrupted protein product. Loss-of-function variants in PHEX are known to be pathogenic (PMID: 9097956, 9106524, 19219621). For these reasons, this variant has been classified as Pathogenic. This variant is also known as p.Gly395GlyfrX12.

Literature cited by the submitters: PubMed 19219621; PubMed 9097956; PubMed 9106524.

NM_000444.6(PHEX):c.1185del (p.Thr396fs)

Gene: PHEX (phosphate regulating endopeptidase X-linked; plus strand). Cytogenetic location: Xp22.11.
Variant type: Deletion.
Coding change: c.1185del on transcript NM_000444.6 (MANE Select); coding-DNA position 1185, one base deleted (G; older notation c.1185delG).
Protein change: p.Thr396fs; shifts the reading frame from threonine 396.
Molecular consequence: frameshift variant.
Genome position (GRCh38, 1-based): chrX:22,114,469, G deleted; the last of 4 consecutive G bases (chrX:22,114,466-22,114,469); deleting any one gives the same sequence. VCF-style (leftmost placement, unchanged base first): chrX-22114465-AG-A. GRCh37 (hg19) VCF-style: chrX-22132583-AG-A.
Other names: c.1185del, p.Thr396fs (NM_001282754.2); short protein forms T396fs.
Identifiers: ClinVar variation 1366830 (VCV001366830.6), dbSNP rs1602307030, ClinGen allele CA2573158528.